The following is an entry in ClinVar:

NM_022455.5(NSD1):c.6820C>G (p.Gln2274Glu)

Gene: NSD1 (nuclear receptor binding SET domain protein 1; plus strand). Cytogenetic location: 5q35.3.
Variant type: single nucleotide variant.
Coding change: c.6820C>G on transcript NM_022455.5 (MANE Select); coding-DNA position 6820, C replaced by G.
Protein change: p.Gln2274Glu; replaces glutamine 2274 with glutamic acid.
Molecular consequence: missense variant.
Genome position (GRCh38, 1-based): chr5:177,294,188, C>G. VCF-style: chr5-177294188-C-G. GRCh37 (hg19) VCF-style: chr5-176721189-C-G.
Other names: c.5947C>G, p.Gln1983Glu (NM_001365684.2, NM_001409308.1, NM_172349.5); c.6820C>G, p.Gln2274Glu (NM_001409301.1, NM_001409302.1, NM_001409303.1); c.6400C>G, p.Gln2134Glu (NM_001409304.1); c.6067C>G, p.Gln2023Glu (NM_001409305.1); c.6058C>G, p.Gln2020Glu (NM_001409306.1, NM_001409307.1); c.5698C>G, p.Gln1900Glu (NM_001409309.1); short protein forms Q1900E, Q1983E, Q2020E, Q2023E, Q2274E, Q2134E.
Identifiers: ClinVar variation 3672883 (VCV003672883.2).

ClinVar aggregate classification (germline): Uncertain significance (1 of 4 stars; one submission).

Submission:

Labcorp Genetics (formerly Invitae), Labcorp
Classification: Uncertain significance. Last evaluated: 2023-12-18. Review status: criteria provided, single submitter. Criteria: Invitae Variant Classification Sherloc (09022015). Collection method: clinical testing. Allele origin: germline.
Comment: This sequence change replaces glutamine, which is neutral and polar, with glutamic acid, which is acidic and polar, at codon 2274 of the NSD1 protein (p.Gln2274Glu). This variant is not present in population databases (gnomAD no frequency). This variant has not been reported in the literature in individuals affected with NSD1-related conditions. Advanced modeling of protein sequence and biophysical properties (such as structural, functional, and spatial information, amino acid conservation, physicochemical variation, residue mobility, and thermodynamic stability) performed at Invitae indicates that this missense variant is not expected to disrupt NSD1 protein function with a negative predictive value of 95%. In summary, the available evidence is currently insufficient to determine the role of this variant in disease. Therefore, it has been classified as a Variant of Uncertain Significance.